The following is an entry in ClinVar:

ClinVar aggregate classification (germline): Uncertain significance. Review status: criteria provided, multiple submitters, no conflicts (2 of 4 stars). 2 submissions from 2 submitters: Uncertain significance (2). Last evaluated 2025-04-14.

Conditions:
Inborn genetic diseases. Identifiers: MedGen C0950123, MeSH D030342.
Hyperphosphatasia with intellectual disability syndrome 5 (GPIBD11). Also called: GLYCOSYLPHOSPHATIDYLINOSITOL BIOSYNTHESIS DEFECT 11. Identifiers: Orphanet 247262, MedGen C4014958, MONDO:0014457, OMIM 616025.

Allele frequency attached by ClinVar (database versions not stated): 1000 Genomes Project 30x 0.00016; 1000 Genomes Project 0.00020; ESP Exome Variant Server 0.00015.
gnomAD v4.1: 190 of 1,614,154 alleles (0.012%); highest among the groups gnomAD compares: Non-Finnish European, 0.016%; no homozygotes.

Submissions (2):

Ambry Genetics
Classification: Uncertain significance for Inborn genetic diseases. Last evaluated: 2025-04-14. Review status: criteria provided, single submitter. Criteria: Ambry Variant Classification Scheme 2023. Collection method: clinical testing. Allele origin: germline.

Labcorp Genetics (formerly Invitae), Labcorp
Classification: Uncertain significance for Hyperphosphatasia with intellectual disability syndrome 5. Last evaluated: 2023-07-17. Review status: criteria provided, single submitter. Criteria: Invitae Variant Classification Sherloc (09022015). Collection method: clinical testing. Allele origin: germline.
Comment: This sequence change replaces arginine, which is basic and polar, with leucine, which is neutral and non-polar, at codon 330 of the PIGW protein (p.Arg330Leu). This variant is present in population databases (rs147971755, gnomAD 0.01%). This variant has not been reported in the literature in individuals affected with PIGW-related conditions. ClinVar contains an entry for this variant (Variation ID: 1468464). Advanced modeling of protein sequence and biophysical properties (such as structural, functional, and spatial information, amino acid conservation, physicochemical variation, residue mobility, and thermodynamic stability) has been performed at Invitae for this missense variant, however the output from this modeling did not meet the statistical confidence thresholds required to predict the impact of this variant on PIGW protein function. In summary, the available evidence is currently insufficient to determine the role of this variant in disease. Therefore, it has been classified as a Variant of Uncertain Significance.

NM_001346754.2(PIGW):c.989G>T (p.Arg330Leu)

Genes: MYO19 (myosin XIX; minus strand), PIGW (phosphatidylinositol glycan anchor biosynthesis class W; plus strand). Cytogenetic location: 17q12.
Variant type: single nucleotide variant.
Coding change: c.989G>T on transcript NM_001346754.2 (MANE Select); coding-DNA position 989, G replaced by T.
Protein change: p.Arg330Leu; replaces arginine 330 with leucine.
Molecular consequence: missense variant.
Genome position (GRCh38, 1-based): chr17:36,538,090, G>T. VCF-style: chr17-36538090-G-T. GRCh37 (hg19) VCF-style: chr17-34893939-G-T.
Other names: c.989G>T, p.Arg330Leu (NM_001346755.2, NM_178517.5); c.989G>T (NM_178517.3); short protein forms R330L.
Identifiers: ClinVar variation 1468464 (VCV001468464.5), dbSNP rs147971755, ClinGen allele CA290116474.